The following is an entry in ClinVar:

ClinVar aggregate classification (germline): Pathogenic/Likely pathogenic. Review status: criteria provided, multiple submitters, no conflicts (2 of 4 stars). 3 submissions from 3 submitters: Pathogenic (2); Likely pathogenic (1). Last evaluated 2026-01-20.

Conditions:
Hereditary cancer-predisposing syndrome. Also called: Tumor predisposition; Neoplastic Syndromes, Hereditary; Hereditary neoplastic syndrome; Hereditary Cancer Syndrome. Identifiers: Orphanet 140162, MedGen C0027672, MeSH D009386, MONDO:0015356.
Hereditary breast ovarian cancer syndrome. Also called: Hereditary breast and ovarian cancer; Hereditary breast and ovarian cancer syndrome (HBOC); Breast and ovarian cancer; Hereditary breast and ovarian cancer syndrome; BRCA1- and BRCA2-Associated Hereditary Breast and Ovarian Cancer; Hereditary breast and/or ovarian cancer syndrome. Identifiers: Orphanet 145, MedGen C0677776, MeSH D061325, MONDO:0003582. Disease mechanism: loss of function.

Submissions (3):

Labcorp Genetics (formerly Invitae), Labcorp
Classification: Pathogenic for Hereditary breast ovarian cancer syndrome. Last evaluated: 2026-01-20. Review status: criteria provided, single submitter. Criteria: Invitae Variant Classification Sherloc (09022015). Collection method: clinical testing. Allele origin: germline.
Comment: This sequence change creates a premature translational stop signal (p.Ser1512Valfs*36) in the BRCA1 gene. It is expected to result in an absent or disrupted protein product. Loss-of-function variants in BRCA1 are known to be pathogenic (PMID: 20104584). This variant is not present in population databases (gnomAD no frequency). This variant has not been reported in the literature in individuals affected with BRCA1-related conditions. ClinVar contains an entry for this variant (Variation ID: 633100). For these reasons, this variant has been classified as Pathogenic.

Ambry Genetics
Classification: Pathogenic for Hereditary cancer-predisposing syndrome. Last evaluated: 2023-06-12. Review status: criteria provided, single submitter. Criteria: Ambry Variant Classification Scheme 2023. Collection method: clinical testing. Allele origin: germline.
Comment: The c.4534delA pathogenic mutation, located in coding exon 13 of the BRCA1 gene, results from a deletion of one nucleotide at nucleotide position 4534, causing a translational frameshift with a predicted alternate stop codon (p.S1512Vfs*36). This alteration is expected to result in loss of function by premature protein truncation or nonsense-mediated mRNA decay. As such, this alteration is interpreted as a disease-causing mutation.

Women's Health and Genetics/Laboratory Corporation of America, LabCorp
Classification: Likely pathogenic for Hereditary breast and ovarian cancer syndrome. Last evaluated: 2018-12-14. Review status: criteria provided, single submitter. Criteria: LabCorp Variant Classification Summary - May 2015. Collection method: clinical testing. Allele origin: germline.
Comment: Variant summary: BRCA1 c.4534delA (p.Ser1512ValfsX36) results in a premature termination codon, predicted to cause a truncation of the encoded protein or absence of the protein due to nonsense mediated decay, which are commonly known mechanisms for disease. Truncations downstream of this position have been classified as pathogenic by our laboratory (eg. p.Tyr1552fsX6, p.Tyr1563X, p.Pro1585fsX36). The variant was absent in 277114 control chromosomes. To our knowledge, no occurrence of c.4534delA in individuals affected with Hereditary Breast and Ovarian Cancer and no experimental evidence demonstrating its impact on protein function have been reported. No clinical diagnostic laboratories have submitted clinical-significance assessments for this variant to ClinVar after 2014. Based on the evidence outlined above, the variant was classified as likely pathogenic.

Literature cited by the submitters: PubMed 20104584 (cited by Labcorp Genetics (formerly Invitae), Labcorp).

NM_007294.4(BRCA1):c.4534del (p.Ser1512fs)

Gene: BRCA1 (BRCA1 DNA repair associated; minus strand). Cytogenetic location: 17q21.31.
Variant type: Deletion.
Coding change: c.4534del on transcript NM_007294.4 (MANE Select); coding-DNA position 4534, one base deleted (A; older notation c.4534delA).
Protein change: p.Ser1512fs; shifts the reading frame from serine 1512.
Molecular consequence: frameshift variant. On other transcripts: non-coding transcript variant (1).
Genome position (GRCh38, 1-based): chr17:43,074,472, T deleted on the plus strand (A on the coding strand, the reverse complement: BRCA1 is on the minus strand). VCF-style (leftmost placement, unchanged base first): chr17-43074471-CT-C. GRCh37 (hg19) VCF-style: chr17-41226488-CT-C.
Other names: c.4321delA, p.Ser1441Valfs (NM_001407899.1, NM_001407900.1, NM_001407902.1 and 12 more transcripts); c.4318delA, p.Ser1440Valfs (NM_001407915.1, NM_001407916.1, NM_001407917.1 and 1 more transcripts); c.4411delA, p.Ser1471Valfs (NM_001407919.1, NM_001407937.1, NM_001407938.1 and 6 more transcripts); c.4270delA, p.Ser1424Valfs (NM_001407920.1, NM_001407921.1, NM_001407922.1 and 4 more transcripts); c.4267delA, p.Ser1423Valfs (NM_001407927.1, NM_001407928.1, NM_001407929.1 and 4 more transcripts); c.4264delA, p.Ser1422Valfs (NM_001407934.1, NM_001407935.1, NM_001407936.1); c.4408delA, p.Ser1470Valfs (NM_001407939.1, NM_001407940.1, NM_001407670.1 and 11 more transcripts); c.4405delA, p.Ser1469Valfs (NM_001407941.1, NM_001407681.1, NM_001407682.1 and 6 more transcripts); and 71 more; short protein forms S1465fs, S408fs, S1512fs, S1533fs.
Identifiers: ClinVar variation 633100 (VCV000633100.13), dbSNP rs1567778176, ClinGen allele CA913190343.
Genomic context (GRCh38, chr17:43,074,471, plus strand): 5'-ACAACCTTAATGAGCTCCTCTTGAGATGGGTAGTTTCTATTCTGAAGACTCCCAGAGCAA[CT>C]GTGCATGTACCACCTATCATCTAATGATGGGCATTTAGAAGGGGATGACCTAGAAAGATA-3'